The following is an entry in ClinVar:

ClinVar aggregate classification (germline): Conflicting classifications of pathogenicity. Review status: criteria provided, conflicting classifications (1 of 4 stars). 4 submissions from 4 submitters: Uncertain significance (2); Likely benign (1). 1 of the submissions does not count toward it. Last evaluated 2025-02-19.

Conditions:
Hereditary breast ovarian cancer syndrome. Also called: Hereditary breast and ovarian cancer syndrome; Hereditary breast and ovarian cancer; Hereditary breast and ovarian cancer syndrome (HBOC); Breast and ovarian cancer; Hereditary breast and/or ovarian cancer syndrome; BRCA1- and BRCA2-Associated Hereditary Breast and Ovarian Cancer. Identifiers: Orphanet 145, MedGen C0677776, MeSH D061325, MONDO:0003582. Disease mechanism: loss of function.
Hereditary cancer-predisposing syndrome. Also called: Neoplastic Syndromes, Hereditary; Tumor predisposition; Hereditary neoplastic syndrome; Hereditary Cancer Syndrome. Identifiers: Orphanet 140162, MedGen C0027672, MeSH D009386, MONDO:0015356.
Breast-ovarian cancer, familial, susceptibility to, 2 (BROVCA2). Also called: BRCA2 Hereditary Breast and Ovarian Cancer. Identifiers: Orphanet 145, MedGen C2675520, MONDO:0012933, OMIM 612555. Disease mechanism: loss of function.

Allele frequency attached by ClinVar (database versions not stated): gnomAD exomes below 0.00001; ExAC 0.00001.
gnomAD v4.1: 1 of 1,613,556 alleles (0.000062%); highest among the groups gnomAD compares: Non-Finnish European, 0.000085%; no homozygotes.

Submissions (4):

Ambry Genetics
Classification: Uncertain significance for Hereditary cancer-predisposing syndrome. Last evaluated: 2025-02-19. Review status: criteria provided, single submitter. Criteria: Ambry Variant Classification Scheme 2023. Collection method: clinical testing. Allele origin: germline.
Comment: The p.K1614E variant (also known as c.4840A>G), located in coding exon 10 of the BRCA2 gene, results from an A to G substitution at nucleotide position 4840. The lysine at codon 1614 is replaced by glutamic acid, an amino acid with similar properties. This amino acid position is poorly conserved in available vertebrate species. In addition, this alteration is predicted to be tolerated by in silico analysis. Since supporting evidence is limited at this time, the clinical significance of this alteration remains unclear.

Labcorp Genetics (formerly Invitae), Labcorp
Classification: Uncertain significance for Hereditary breast ovarian cancer syndrome. Last evaluated: 2024-03-27. Review status: criteria provided, single submitter. Criteria: Invitae Variant Classification Sherloc (09022015). Collection method: clinical testing. Allele origin: germline.
Comment: This sequence change replaces lysine, which is basic and polar, with glutamic acid, which is acidic and polar, at codon 1614 of the BRCA2 protein (p.Lys1614Glu). This variant is present in population databases (rs80358706, gnomAD 0.0009%). This missense change has been observed in individual(s) with clinical features of BRCA2-related conditions (PMID: 10923033). ClinVar contains an entry for this variant (Variation ID: 51724). Advanced modeling of protein sequence and biophysical properties (such as structural, functional, and spatial information, amino acid conservation, physicochemical variation, residue mobility, and thermodynamic stability) performed at Invitae indicates that this missense variant is not expected to disrupt BRCA2 protein function with a negative predictive value of 95%. In summary, the available evidence is currently insufficient to determine the role of this variant in disease. Therefore, it has been classified as a Variant of Uncertain Significance.

University of Washington Department of Laboratory Medicine, University of Washington
Classification: Likely benign for Hereditary cancer-predisposing syndrome. Last evaluated: 2023-03-23. Review status: criteria provided, single submitter. Criteria: Dines et al. (Genet Med. 2020). Collection method: curation. Allele origin: germline.
Comment: Missense variant in a coldspot region where missense variants are very unlikely to be pathogenic (PMID:31911673).

BRCA2 exon 11 coldspot. Reclassification based on statistical prior probability.

Breast Cancer Information Core (BIC) (BRCA2)
Classification: Uncertain significance for Breast-ovarian cancer, familial 2. Last evaluated: 2003-01-24. Review status: no assertion criteria provided. Collection method: clinical testing. Allele origin: germline. Affected: yes. Observed: 3 variant alleles. Not counted in ClinVar's aggregate classification.

Literature cited by the submitters: PubMed 10923033 (cited by Labcorp Genetics (formerly Invitae), Labcorp).

NM_000059.4(BRCA2):c.4840A>G (p.Lys1614Glu)

Gene: BRCA2 (BRCA2 DNA repair associated; plus strand). Cytogenetic location: 13q13.1.
Variant type: single nucleotide variant.
Coding change: c.4840A>G on transcript NM_000059.4 (MANE Select); coding-DNA position 4840, A replaced by G.
Protein change: p.Lys1614Glu; replaces lysine 1614 with glutamic acid.
Molecular consequence: missense variant.
Genome position (GRCh38, 1-based): chr13:32,339,195, A>G. VCF-style: chr13-32339195-A-G. GRCh37 (hg19) VCF-style: chr13-32913332-A-G.
Other names: short protein forms K1614E.
Identifiers: ClinVar variation 51724 (VCV000051724.19), dbSNP rs80358706, ClinGen allele CA020896.
Genomic context (GRCh38, chr13:32,339,195, plus strand): 5'-ATGCAGAATTCTCTCAATAATGATAAAAACCTTGTTTCTATTGAGACTGTGGTGCCACCT[A>G]AGCTCTTAAGTGATAATTTATGTAGACAAACTGAAAATCTCAAAACATCAAAAAGTATCT-3'
Protein context (NP_000050.3, residues 1604-1624): LVSIETVVPP[Lys1614Glu]LLSDNLCRQT